The following is an entry in ClinVar:

ClinVar aggregate classification (germline): Uncertain significance (1 of 4 stars; one submission).

Conditions:
MOGS-congenital disorder of glycosylation. Also called: CDG 2B; MOGS-CDG; CDG IIb; GLUCOSIDASE I DEFICIENCY. Identifiers: Orphanet 79330, MedGen C1853736, MONDO:0011629, OMIM 606056.

Allele frequency attached by ClinVar (database versions not stated): gnomAD exomes 0.00001; ExAC 0.00002.

Submission:

Labcorp Genetics (formerly Invitae), Labcorp
Classification: Uncertain significance for MOGS-congenital disorder of glycosylation. Last evaluated: 2022-07-19. Review status: criteria provided, single submitter. Criteria: Invitae Variant Classification Sherloc (09022015). Collection method: clinical testing. Allele origin: germline.
Comment: In summary, the available evidence is currently insufficient to determine the role of this variant in disease. Therefore, it has been classified as a Variant of Uncertain Significance. Algorithms developed to predict the effect of missense changes on protein structure and function output the following: SIFT: "Tolerated"; PolyPhen-2: "Benign"; Align-GVGD: "Class C0". The valine amino acid residue is found in multiple mammalian species, which suggests that this missense change does not adversely affect protein function. This variant has not been reported in the literature in individuals affected with MOGS-related conditions. This variant is present in population databases (rs751677472, gnomAD 0.02%). This sequence change replaces alanine, which is neutral and non-polar, with valine, which is neutral and non-polar, at codon 507 of the MOGS protein (p.Ala507Val).

NM_006302.3(MOGS):c.1520C>T (p.Ala507Val)

Gene: MOGS (mannosyl-oligosaccharide glucosidase; minus strand). Cytogenetic location: 2p13.1.
Variant type: single nucleotide variant.
Coding change: c.1520C>T on transcript NM_006302.3 (MANE Select); coding-DNA position 1520, C replaced by T.
Protein change: p.Ala507Val; replaces alanine 507 with valine.
Molecular consequence: missense variant.
Genome position (GRCh38, 1-based): chr2:74,462,269, G>A on the plus strand (C>T on the coding strand, the complement: MOGS is on the minus strand). VCF-style: chr2-74462269-G-A. GRCh37 (hg19) VCF-style: chr2-74689396-G-A.
Other names: c.1202C>T, p.Ala401Val (NM_001146158.2); short protein forms A401V, A507V.
Identifiers: ClinVar variation 2099893 (VCV002099893.4), dbSNP rs751677472, ClinGen allele CA1724772.